The following is an entry in ClinVar:

NM_198253.3(TERT):c.1950+10C>T

Gene: TERT (telomerase reverse transcriptase; minus strand). Cytogenetic location: 5p15.33.
Variant type: single nucleotide variant.
Coding change: c.1950+10C>T on transcript NM_198253.3 (MANE Select); 10 bases into the intron after coding-DNA position 1950, C replaced by T.
Molecular consequence: intron variant.
Genome position (GRCh38, 1-based): chr5:1,280,148, G>A on the plus strand (C>T on the coding strand, the complement: TERT is on the minus strand). VCF-style: chr5-1280148-G-A. GRCh37 (hg19) VCF-style: chr5-1280263-G-A.
Other names: p.?; c.1950+10C>T (NM_001193376.3).
Identifiers: ClinVar variation 227097 (VCV000227097.32), dbSNP rs33948291, ClinGen allele CA3184717.

ClinVar aggregate classification (germline): Benign/Likely benign. Review status: criteria provided, multiple submitters, no conflicts (2 of 4 stars). 16 submissions from 13 submitters: Benign (12); Likely benign (1). 3 of the submissions do not count toward it. Last evaluated 2026-02-02.

Conditions:
Idiopathic Pulmonary Fibrosis. Also called: Idiopathic fibrosing alveolitis, chronic form; idiopathic fibrosing alveolitis. Identifiers: Orphanet 2032, MedGen C1800706, MeSH D054990, MONDO:0800504.
Dyskeratosis congenita, autosomal dominant 2. Identifiers: MedGen C3151443, MONDO:0013521, OMIM 613989.
Melanoma, cutaneous malignant, susceptibility to, 9. Also called: Cutaneous malignant melanoma 9. Identifiers: Orphanet 618, MedGen C3554574, MONDO:0014056, OMIM 615134.
Pulmonary fibrosis and/or bone marrow failure, Telomere-related, 1. Also called: PULMONARY FIBROSIS AND/OR BONE MARROW FAILURE SYNDROME, TELOMERE-RELATED, 1. Identifiers: Orphanet 88, MedGen C3553617, MONDO:0013878, OMIM 614742.
Acute myeloid leukemia (AML). Also called: Acute myeloid leukemia, adult; AML adult; Acute non-lymphocytic leukemia; Acute granulocytic leukemia; Leukemia, acute myelogenous, somatic; Leukemia, acute myeloid, somatic. Identifiers: Orphanet 519, MedGen C0023467, MeSH D015470, MONDO:0018874, OMIM 601626, HP:0004808. Disease mechanism: Constitutively activated FLT3.
Aplastic anemia. Identifiers: Orphanet 182040, Orphanet 88, MedGen C0002874, MONDO:0015909, OMIM 609135, HP:0001915.

Allele frequency attached by ClinVar (database versions not stated): gnomAD exomes 0.01168 and 0.01291; 1000 Genomes Project 0.01178; 1000 Genomes Project 30x 0.01234; ExAC 0.01251; TOPMed 0.01458; ESP Exome Variant Server 0.01676; gnomAD 0.01682 and 0.01758.
gnomAD v4.1: 19,637 of 1,614,020 alleles (1.2%); highest among the groups gnomAD compares: African/African-American, 2.5%; 187 homozygotes.

Submissions (16):

Labcorp Genetics (formerly Invitae), Labcorp
Classification: Benign for Dyskeratosis congenita, autosomal dominant 2; Idiopathic Pulmonary Fibrosis. Last evaluated: 2026-02-02. Review status: criteria provided, single submitter. Criteria: Invitae Variant Classification Sherloc (09022015). Collection method: clinical testing. Allele origin: germline.

ARUP Laboratories, Molecular Genetics and Genomics, ARUP Laboratories
Classification: Benign. Last evaluated: 2025-03-18. Review status: criteria provided, single submitter. Criteria: ARUP Molecular Germline Variant Investigation Process 2024. Collection method: clinical testing. Allele origin: germline.

KCCC/NGS Laboratory, Kuwait Cancer Control Center
Classification: Benign for Melanoma, cutaneous malignant, susceptibility to, 9. Last evaluated: 2025-02-01. Review status: criteria provided, single submitter. Criteria: ACMG Guidelines, 2015. Collection method: clinical testing. Allele origin: germline. Affected: no.

Blueprint Genetics
Classification: Likely benign. Last evaluated: 2024-11-26. Review status: criteria provided, single submitter. Criteria: ACMG Guidelines, 2015. Collection method: clinical testing. Allele origin: germline.

Mayo Clinic Laboratories, Mayo Clinic
Classification: Benign. Last evaluated: 2023-12-13. Review status: criteria provided, single submitter. Criteria: ACMG Guidelines, 2015. Collection method: clinical testing. Allele origin: germline. Observed: 13 variant alleles.
Comment: BS1, BS2, BP4, BP7

KCCC/NGS Laboratory, Kuwait Cancer Control Center
Classification: Benign for Acute myeloid leukemia. Last evaluated: 2023-07-07. Review status: criteria provided, single submitter. Criteria: ACMG Guidelines, 2015. Collection method: clinical testing. Allele origin: germline. Affected: yes.

Illumina Laboratory Services, Illumina
Classification: Benign for Pulmonary fibrosis and/or bone marrow failure, Telomere-related, 1. Last evaluated: 2018-01-12. Review status: criteria provided, single submitter. Criteria: ICSL Variant Classification Criteria 13 December 2019. Collection method: clinical testing. Allele origin: germline.
Comment: This variant was observed in the ICSL laboratory as part of a predisposition screen in an ostensibly healthy population. It had not been previously curated by ICSL or reported in the Human Gene Mutation Database (HGMD: prior to June 1st, 2018), and was therefore a candidate for classification through an automated scoring system. Utilizing variant allele frequency, disease prevalence and penetrance estimates, and inheritance mode, an automated score was calculated to assess if this variant is too frequent to cause the disease. Based on the score and internal cut-off values, a variant classified as benign is not then subjected to further curation. The score for this variant resulted in a classification of benign for this disease.

Illumina Laboratory Services, Illumina
Classification: Benign for Aplastic anemia. Last evaluated: 2018-01-12. Review status: criteria provided, single submitter. Criteria: ICSL Variant Classification Criteria 13 December 2019. Collection method: clinical testing. Allele origin: germline.
Comment: the same text as in the submission from Illumina Laboratory Services, Illumina above.

Illumina Laboratory Services, Illumina
Classification: Benign for Dyskeratosis congenita, autosomal dominant 2. Last evaluated: 2018-01-12. Review status: criteria provided, single submitter. Criteria: ICSL Variant Classification Criteria 13 December 2019. Collection method: clinical testing. Allele origin: germline.
Comment: the same text as in the submission from Illumina Laboratory Services, Illumina above.

GeneDx
Classification: Benign. Last evaluated: 2015-03-03. Review status: criteria provided, single submitter. Criteria: GeneDx Variant Classification Process June 2021. Collection method: clinical testing. Allele origin: germline. Affected: yes.

Laboratory for Molecular Medicine, Mass General Brigham Personalized Medicine
Classification: Benign. Last evaluated: 2013-02-21. Review status: criteria provided, single submitter. Criteria: LMM Criteria. Collection method: clinical testing. Allele origin: germline. Observed: 5 variant alleles.
Comment: 1950+10C>T in intron 4 of TERT: This variant is not expected to have clinical si gnificance because it is not located within the conserved splice consensus seque nce. It has been identified in 2.7% (120/4406) of African American chromosomes f rom a broad population by the NHLBI Exome Sequencing Project (dbSNP rs33948291).

Breakthrough Genomics
Classification: Benign. Review status: criteria provided, single submitter. Criteria: ACMG Guidelines, 2015. Collection method: not provided. Allele origin: germline. Inheritance: Autosomal dominant inheritance. Affected: yes.

PreventionGenetics, part of Exact Sciences
Classification: Benign. Review status: criteria provided, single submitter. Criteria: ACMG Guidelines, 2015. Collection method: clinical testing. Allele origin: germline.

Genome Diagnostics Laboratory, Amsterdam University Medical Center
Classification: Benign. Review status: no assertion criteria provided. Collection method: clinical testing. Allele origin: germline. Affected: yes. Study: VKGL Data-share Consensus. Not counted in ClinVar's aggregate classification.

Genome Diagnostics Laboratory, University Medical Center Utrecht
Classification: Benign. Review status: no assertion criteria provided. Collection method: clinical testing. Allele origin: germline. Affected: yes. Study: VKGL Data-share Consensus. Not counted in ClinVar's aggregate classification.

Laboratory of Diagnostic Genome Analysis, Leiden University Medical Center (LUMC)
Classification: Benign. Review status: no assertion criteria provided. Collection method: clinical testing. Allele origin: germline. Affected: yes. Study: VKGL Data-share Consensus. Not counted in ClinVar's aggregate classification.